The following is an entry in ClinVar:

ClinVar aggregate classification (germline): Uncertain significance (1 of 4 stars; one submission).

Submission:

Labcorp Genetics (formerly Invitae), Labcorp
Classification: Uncertain significance. Last evaluated: 2022-09-13. Review status: criteria provided, single submitter. Criteria: Invitae Variant Classification Sherloc (09022015). Collection method: clinical testing. Allele origin: germline.
Comment: This sequence change replaces tyrosine, which is neutral and polar, with asparagine, which is neutral and polar, at codon 155 of the RGR protein (p.Tyr155Asn). This variant is not present in population databases (gnomAD no frequency). This variant has not been reported in the literature in individuals affected with RGR-related conditions. Algorithms developed to predict the effect of missense changes on protein structure and function are either unavailable or do not agree on the potential impact of this missense change (SIFT: "Deleterious"; PolyPhen-2: "Not Available"; Align-GVGD: "Class C55"). In summary, the available evidence is currently insufficient to determine the role of this variant in disease. Therefore, it has been classified as a Variant of Uncertain Significance.

NM_001012720.2(RGR):c.463T>A (p.Tyr155Asn)

Gene: RGR (retinal G protein coupled receptor; plus strand). Cytogenetic location: 10q23.1.
Variant type: single nucleotide variant.
Coding change: c.463T>A on transcript NM_001012720.2 (MANE Select); coding-DNA position 463, T replaced by A.
Protein change: p.Tyr155Asn; replaces tyrosine 155 with asparagine.
Molecular consequence: missense variant.
Genome position (GRCh38, 1-based): chr10:84,252,961, T>A. VCF-style: chr10-84252961-T-A. GRCh37 (hg19) VCF-style: chr10-86012717-T-A.
Other names: c.463T>A, p.Tyr155Asn (NM_001012722.2); c.475T>A, p.Tyr159Asn (NM_002921.4); short protein forms Y155N, Y159N.
Identifiers: ClinVar variation 2004869 (VCV002004869.4), dbSNP rs2492639143, ClinGen allele CA377391647.